The following is an entry in ClinVar:

NM_001364857.2(ADGRB2):c.4607C>T (p.Ser1536Phe)

Gene: ADGRB2 (adhesion G protein-coupled receptor B2; minus strand). Cytogenetic location: 1p35.2.
Variant type: single nucleotide variant.
Coding change: c.4607C>T on transcript NM_001364857.2 (MANE Select); coding-DNA position 4607, C replaced by T.
Protein change: p.Ser1536Phe; replaces serine 1536 with phenylalanine.
Molecular consequence: missense variant.
Genome position (GRCh38, 1-based): chr1:31,727,571, G>A on the plus strand (C>T on the coding strand, the complement: ADGRB2 is on the minus strand). VCF-style: chr1-31727571-G-A. GRCh37 (hg19) VCF-style: chr1-32193172-G-A.
Other names: c.4604C>T, p.Ser1535Phe (NM_001294335.2); c.4505C>T, p.Ser1502Phe (NM_001294336.2); c.4607C>T (NM_001703.2); short protein forms S1502F, S1535F, S1536F.
Identifiers: ClinVar variation 3610223 (VCV003610223.3).

ClinVar aggregate classification (germline): Uncertain significance. Review status: criteria provided, multiple submitters, no conflicts (2 of 4 stars). 2 submissions from 2 submitters: Uncertain significance (2). Last evaluated 2025-05-01.

gnomAD v4.1: 7 of 1,568,338 alleles (0.00045%); highest among the groups gnomAD compares: Non-Finnish European, 0.0006%; no homozygotes.

Submissions (2):

Ambry Genetics
Classification: Uncertain significance. Last evaluated: 2025-05-01. Review status: criteria provided, single submitter. Criteria: Ambry Variant Classification Scheme 2023. Collection method: clinical testing. Allele origin: germline.

Labcorp Genetics (formerly Invitae), Labcorp
Classification: Uncertain significance. Last evaluated: 2024-04-18. Review status: criteria provided, single submitter. Criteria: Invitae Variant Classification Sherloc (09022015). Collection method: clinical testing. Allele origin: germline.
Comment: This sequence change replaces serine, which is neutral and polar, with phenylalanine, which is neutral and non-polar, at codon 1502 of the ADGRB2 protein (p.Ser1502Phe). The frequency data for this variant in the population databases is considered unreliable, as metrics indicate poor data quality at this position in the gnomAD database. This variant has not been reported in the literature in individuals affected with ADGRB2-related conditions. An algorithm developed to predict the effect of missense changes on protein structure and function (PolyPhen-2) suggests that this variant is likely to be tolerated. In summary, the available evidence is currently insufficient to determine the role of this variant in disease. Therefore, it has been classified as a Variant of Uncertain Significance.